The following is an entry in ClinVar:

ClinVar aggregate classification (germline): Uncertain significance (1 of 4 stars; one submission).

Conditions:
Dilated cardiomyopathy 1W (CMD1W). Identifiers: Orphanet 154, MedGen C1969639, MONDO:0012667, OMIM 611407.

Submission:

Labcorp Genetics (formerly Invitae), Labcorp
Classification: Uncertain significance for Dilated cardiomyopathy 1W. Last evaluated: 2022-08-22. Review status: criteria provided, single submitter. Criteria: Invitae Variant Classification Sherloc (09022015). Collection method: clinical testing. Allele origin: germline.
Comment: In summary, the available evidence is currently insufficient to determine the role of this variant in disease. Therefore, it has been classified as a Variant of Uncertain Significance. Algorithms developed to predict the effect of missense changes on protein structure and function are either unavailable or do not agree on the potential impact of this missense change (SIFT: "Not Available"; PolyPhen-2: "Probably Damaging"; Align-GVGD: "Not Available"). ClinVar contains an entry for this variant (Variation ID: 468820). This variant has not been reported in the literature in individuals affected with VCL-related conditions. This variant is not present in population databases (gnomAD no frequency). This sequence change replaces arginine, which is basic and polar, with leucine, which is neutral and non-polar, at codon 993 of the VCL protein (p.Arg993Leu).

NM_014000.3(VCL):c.2978G>T (p.Arg993Leu)

Gene: VCL (vinculin; plus strand). Cytogenetic location: 10q22.2.
Variant type: single nucleotide variant.
Coding change: c.2978G>T on transcript NM_014000.3 (MANE Select); coding-DNA position 2978, G replaced by T.
Protein change: p.Arg993Leu; replaces arginine 993 with leucine.
Molecular consequence: missense variant.
Genome position (GRCh38, 1-based): chr10:74,114,212, G>T. VCF-style: chr10-74114212-G-T. GRCh37 (hg19) VCF-style: chr10-75873970-G-T.
Other names: c.2774G>T, p.Arg925Leu (NM_003373.4); short protein forms R993L, R925L.
Identifiers: ClinVar variation 468820 (VCV000468820.8), dbSNP rs1554819624, ClinGen allele CA377266396.